The following is an entry in ClinVar:

GRCh37/hg19 Xp22.11-21.2(chrX:24675165-31490279)x1

Genes: ARX (aristaless related homeobox; minus strand), DCAF8L1 (DDB1 and CUL4 associated factor 8 like 1; minus strand), DCAF8L2 (DDB1 and CUL4 associated factor 8 like 2; plus strand), DMD (dystrophin; minus strand), FTHL17 (ferritin heavy chain like 17; minus strand) and 15 more. Cytogenetic location: Xp22.11-21.2.
Variant type: copy number loss.
Change: copy number 1 of chrX:24,675,165-31,490,279 (6.82 Mb, GRCh37 coordinates, 1-based), cytogenetic band Xp22.11-21.2.
Identifiers: ClinVar variation 1808637 (VCV001808637.1).

ClinVar aggregate classification (germline): Pathogenic (1 of 4 stars; one submission).

Submission:

Quest Diagnostics Nichols Institute San Juan Capistrano
Classification: Pathogenic. Last evaluated: 2022-04-14. Review status: criteria provided, single submitter. Criteria: ACMG/ClinGen CNV Guidelines, 2019. Collection method: clinical testing. Allele origin: unknown.
Comment: This deletion is consistent with chromosome Xp21 deletion syndrome (OMIM 300679, also called infantile or complex glycerol kinase deficiency). This is a contiguous gene deletion syndrome characterized by complex glycerol kinase deficiency, congenital adrenal hypoplasia, intellectual disability and/or muscular dystrophy due to loss of GK, NROB1 and DMD genes, which are all involved in the current deletion of this patient. In addition, loss-of-function of ARX gene is associated with X-linked lissencephaly with abnormal genitalia (OMIM 300215). Phenotypic heterogeneity in female carriers of this deletion has been described, due to differences in chromosome X inactivation (Eur J Med Genet. 2015 Jun-Jul;58(6-7):341-5. PMID: 25917374; Hum Mutat. 2007 Mar;28(3):235-42. PMID: 17089405).